The following is an entry in ClinVar:

ClinVar aggregate classification (germline): conflicting data from submitters (0 of 4 stars; one submission).

Submission:

ISCA site 8
Classification: conflicting data from submitters. Last evaluated: 2010-10-01. Review status: no assertion criteria provided. Collection method: clinical testing. Allele origin: unknown, maternal. Affected: yes. Observed: 2 variant alleles.
Comment: Uncertain significance(1), Benign (1)

Copy number variation identified through the course of routine clinical cytogenomic testing in postnatal populations, with clinical assertions as classified by the original submitter.

GRCh38/hg38 15q11.2(chr15:22787972-23066575)x1

Genes: CYFIP1 (cytoplasmic FMR1 interacting protein 1; minus strand), NIPA1 (NIPA magnesium transporter 1; plus strand), NIPA2 (NIPA magnesium transporter 2; plus strand), TUBGCP5 (tubulin gamma complex component 5; minus strand), LOC112272575 (Sharpr-MPRA regulatory region 8478; plus strand) and 7 more. Cytogenetic location: 15q11.2.
Variant type: copy number loss.
Change: copy number 1 (one copy instead of two) of chr15:22,787,972-23,066,575 (278.6 kb, GRCh38 coordinates, 1-based), cytogenetic band 15q11.2.
Identifiers: ClinVar variation 147580 (VCV000147580.2).